The following is an entry in ClinVar:

ClinVar aggregate classification (germline): Uncertain significance. Review status: criteria provided, multiple submitters, no conflicts (2 of 4 stars). 2 submissions from 2 submitters: Uncertain significance (2). Last evaluated 2024-05-11.

Conditions:
Mosaic variegated aneuploidy syndrome 2 (MVA2). Identifiers: Orphanet 1052, MedGen C3279843, MONDO:0013582, OMIM 614114.
Inborn genetic diseases. Identifiers: MedGen C0950123, MeSH D030342.

Allele frequency attached by ClinVar (database versions not stated): gnomAD exomes below 0.00001.
gnomAD v4.1: 3 of 1,613,350 alleles (0.00019%); highest among the groups gnomAD compares: Non-Finnish European, 0.00025%; no homozygotes.

Submissions (2):

Labcorp Genetics (formerly Invitae), Labcorp
Classification: Uncertain significance for Mosaic variegated aneuploidy syndrome 2. Last evaluated: 2024-05-11. Review status: criteria provided, single submitter. Criteria: Invitae Variant Classification Sherloc (09022015). Collection method: clinical testing. Allele origin: germline.
Comment: This sequence change replaces arginine, which is basic and polar, with lysine, which is basic and polar, at codon 469 of the CEP57 protein (p.Arg469Lys). This variant is not present in population databases (gnomAD no frequency). This variant has not been reported in the literature in individuals affected with CEP57-related conditions. ClinVar contains an entry for this variant (Variation ID: 2076680). Advanced modeling of protein sequence and biophysical properties (such as structural, functional, and spatial information, amino acid conservation, physicochemical variation, residue mobility, and thermodynamic stability) performed at Invitae indicates that this missense variant is not expected to disrupt CEP57 protein function with a negative predictive value of 80%. In summary, the available evidence is currently insufficient to determine the role of this variant in disease. Therefore, it has been classified as a Variant of Uncertain Significance.

Ambry Genetics
Classification: Uncertain significance for Inborn genetic diseases. Last evaluated: 2023-03-13. Review status: criteria provided, single submitter. Criteria: Ambry Variant Classification Scheme 2023. Collection method: clinical testing. Allele origin: germline.

NM_014679.5(CEP57):c.1406G>A (p.Arg469Lys)

Gene: CEP57 (centrosomal protein 57; plus strand). Cytogenetic location: 11q21.
Variant type: single nucleotide variant.
Coding change: c.1406G>A on transcript NM_014679.5 (MANE Select); coding-DNA position 1406, G replaced by A.
Protein change: p.Arg469Lys; replaces arginine 469 with lysine.
Molecular consequence: missense variant.
Genome position (GRCh38, 1-based): chr11:95,831,159, G>A. VCF-style: chr11-95831159-G-A. GRCh37 (hg19) VCF-style: chr11-95564323-G-A.
Other names: c.1406G>A (NM_014679.4); c.1379G>A, p.Arg460Lys (NM_001243776.2); c.1328G>A, p.Arg443Lys (NM_001243777.2); c.1325G>A, p.Arg442Lys (NM_001363604.2); short protein forms R443K, R460K, R469K, R442K.
Identifiers: ClinVar variation 2076680 (VCV002076680.6), dbSNP rs2496353321, ClinGen allele CA382410043.